The following is an entry in ClinVar:

NM_014806.5(RUSC2):c.3695T>C (p.Val1232Ala)

Gene: RUSC2 (RUN and SH3 domain containing 2; plus strand). Cytogenetic location: 9p13.3.
Variant type: single nucleotide variant.
Coding change: c.3695T>C on transcript NM_014806.5 (MANE Select); coding-DNA position 3695, T replaced by C.
Protein change: p.Val1232Ala; replaces valine 1232 with alanine.
Molecular consequence: missense variant. On other transcripts: non-coding transcript variant (1).
Genome position (GRCh38, 1-based): chr9:35,560,335, T>C. VCF-style: chr9-35560335-T-C. GRCh37 (hg19) VCF-style: chr9-35560332-T-C.
Other names: c.3695T>C, p.Val1232Ala (NM_001135999.2); c.1061T>C, p.Val354Ala (NM_001330740.2); c.3695T>C (NM_001135999.1); short protein forms V354A, V1232A.
Identifiers: ClinVar variation 1435333 (VCV001435333.10), dbSNP rs1563876434, ClinGen allele CA373354317.
Genomic context (GRCh38, chr9:35,560,335, plus strand): 5'-GGGGCCAGGAGGGCCCTGGAGACGTGGACAGGGCAGCCCAAGGGGAGCGGGTGAAGGGTG[T>C]GGGTGCCTCAGAAGGTGGAGAAGAGGAAGAGGAAGAAGAGGAGACAGAAGAGGTGGCAGA-3'
Protein context (NP_055621.2, residues 1222-1242): RAAQGERVKG[Val1232Ala]GASEGGEEEE

ClinVar aggregate classification (germline): Uncertain significance. Review status: criteria provided, multiple submitters, no conflicts (2 of 4 stars). 2 submissions from 2 submitters: Uncertain significance (2). Last evaluated 2025-04-09.

Allele frequency attached by ClinVar (database versions not stated): gnomAD exomes below 0.00001; gnomAD 0.00001; TOPMed 0.00008.
gnomAD v4.1: 6 of 1,609,308 alleles (0.00037%); highest among the groups gnomAD compares: Admixed American, 0.0033%; no homozygotes.

Submissions (2):

Ambry Genetics
Classification: Uncertain significance. Last evaluated: 2025-04-09. Review status: criteria provided, single submitter. Criteria: Ambry Variant Classification Scheme 2023. Collection method: clinical testing. Allele origin: germline.

Labcorp Genetics (formerly Invitae), Labcorp
Classification: Uncertain significance. Last evaluated: 2023-08-24. Review status: criteria provided, single submitter. Criteria: Invitae Variant Classification Sherloc (09022015). Collection method: clinical testing. Allele origin: germline.
Comment: An algorithm developed to predict the effect of missense changes on protein structure and function (PolyPhen-2) suggests that this variant is likely to be disruptive. ClinVar contains an entry for this variant (Variation ID: 1435333). This variant has not been reported in the literature in individuals affected with RUSC2-related conditions. This variant is not present in population databases (gnomAD no frequency). This sequence change replaces valine, which is neutral and non-polar, with alanine, which is neutral and non-polar, at codon 1232 of the RUSC2 protein (p.Val1232Ala). In summary, the available evidence is currently insufficient to determine the role of this variant in disease. Therefore, it has been classified as a Variant of Uncertain Significance.